The following is an entry in ClinVar:

NM_032043.3(BRIP1):c.3492C>A (p.Cys1164Ter)

Gene: BRIP1 (BRCA1 interacting DNA helicase 1; minus strand). Cytogenetic location: 17q23.2.
Variant type: single nucleotide variant.
Coding change: c.3492C>A on transcript NM_032043.3 (MANE Select); coding-DNA position 3492, C replaced by A.
Protein change: p.Cys1164Ter; replaces cysteine 1164 with a stop codon.
Molecular consequence: nonsense.
Genome position (GRCh38, 1-based): chr17:61,683,554, G>T on the plus strand (C>A on the coding strand, the complement: BRIP1 is on the minus strand). VCF-style: chr17-61683554-G-T. GRCh37 (hg19) VCF-style: chr17-59760915-G-T.
Other names: short protein forms C1164*.
Identifiers: ClinVar variation 964733 (VCV000964733.8), dbSNP rs2061304701, ClinGen allele CA400478553.

ClinVar aggregate classification (germline): Uncertain significance (1 of 4 stars; one submission).

Conditions:
Fanconi anemia complementation group J. Also called: BRIP1-Related Fanconi Anemia. Identifiers: Orphanet 84, MedGen C1836860, MONDO:0012187, OMIM 609054.
Familial cancer of breast. Also called: BREAST CANCER, FAMILIAL; Hereditary breast cancer; hereditary breast carcinoma. Identifiers: Orphanet 227535, MedGen C0346153, MONDO:0016419, OMIM 114480. Disease mechanism: loss of function.

Allele frequency attached by ClinVar (database versions not stated): TOPMed below 0.00001; gnomAD 0.00001.
gnomAD v4.1: 1 of 1,612,922 alleles (0.000062%); highest among the groups gnomAD compares: African/African-American, 0.0013%; no homozygotes.

Submission:

Labcorp Genetics (formerly Invitae), Labcorp
Classification: Uncertain significance for Familial cancer of breast; Fanconi anemia complementation group J. Last evaluated: 2019-10-18. Review status: criteria provided, single submitter. Criteria: Invitae Variant Classification Sherloc (09022015). Collection method: clinical testing. Allele origin: germline.
Comment: In summary, the available evidence is currently insufficient to determine the role of this variant in disease. Therefore, it has been classified as a Variant of Uncertain Significance. Experimental studies and prediction algorithms are not available or were not evaluated, and the functional significance of this variant is currently unknown. This variant has not been reported in the literature in individuals with BRIP1-related conditions. This variant is not present in population databases (ExAC no frequency). This sequence change results in a premature translational stop signal in the BRIP1 gene (p.Cys1164*). While this is not anticipated to result in nonsense mediated decay, it is expected to disrupt the last 86 amino acids of the BRIP1 protein.